The following is an entry in ClinVar:

ClinVar aggregate classification (germline): Uncertain significance (1 of 4 stars; one submission).

Allele frequency attached by ClinVar (database versions not stated): ExAC 0.00002; gnomAD exomes 0.00002.

Submission:

Labcorp Genetics (formerly Invitae), Labcorp
Classification: Uncertain significance. Last evaluated: 2022-10-17. Review status: criteria provided, single submitter. Criteria: Invitae Variant Classification Sherloc (09022015). Collection method: clinical testing. Allele origin: germline.
Comment: In summary, the available evidence is currently insufficient to determine the role of this variant in disease. Therefore, it has been classified as a Variant of Uncertain Significance. Algorithms developed to predict the effect of missense changes on protein structure and function (SIFT, PolyPhen-2, Align-GVGD) all suggest that this variant is likely to be disruptive. This variant has not been reported in the literature in individuals affected with OR2W3-related conditions. This variant is present in population databases (rs771039896, gnomAD 0.004%). This sequence change replaces leucine, which is neutral and non-polar, with proline, which is neutral and non-polar, at codon 208 of the OR2W3 protein (p.Leu208Pro).

NM_001001957.2(OR2W3):c.623T>C (p.Leu208Pro)

Gene: OR2W3 (olfactory receptor family 2 subfamily W member 3; plus strand). Cytogenetic location: 1q44.
Variant type: single nucleotide variant.
Coding change: c.623T>C on transcript NM_001001957.2 (MANE Select); coding-DNA position 623, T replaced by C.
Protein change: p.Leu208Pro; replaces leucine 208 with proline.
Molecular consequence: missense variant.
Genome position (GRCh38, 1-based): chr1:247,896,209, T>C. VCF-style: chr1-247896209-T-C. GRCh37 (hg19) VCF-style: chr1-248059511-T-C.
Other names: short protein forms L208P.
Identifiers: ClinVar variation 2090894 (VCV002090894.4), dbSNP rs771039896, ClinGen allele CA1498654.